The following is an entry in ClinVar:

ClinVar aggregate classification (germline): Uncertain significance (1 of 4 stars; one submission).

Submission:

GeneDx
Classification: Uncertain significance. Last evaluated: 2023-03-26. Review status: criteria provided, single submitter. Criteria: GeneDx Variant Classification Process June 2021. Collection method: clinical testing. Allele origin: germline. Affected: yes.
Comment: Not observed at significant frequency in large population cohorts (gnomAD); In silico analysis supports that this missense variant has a deleterious effect on protein structure/function; Has not been previously published as pathogenic or benign to our knowledge

NM_002911.4(UPF1):c.641C>G (p.Ala214Gly)

Gene: UPF1 (UPF1 RNA helicase and ATPase; plus strand). Cytogenetic location: 19p13.11.
Variant type: single nucleotide variant.
Coding change: c.641C>G on transcript NM_002911.4 (MANE Select); coding-DNA position 641, C replaced by G.
Protein change: p.Ala214Gly; replaces alanine 214 with glycine.
Molecular consequence: missense variant.
Genome position (GRCh38, 1-based): chr19:18,850,699, C>G. VCF-style: chr19-18850699-C-G. GRCh37 (hg19) VCF-style: chr19-18961508-C-G.
Other names: c.641C>G, p.Ala214Gly (NM_001297549.2); short protein forms A214G.
Identifiers: ClinVar variation 2582021 (VCV002582021.1), dbSNP rs2512909142, ClinGen allele CA404871667.